The following is an entry in ClinVar:

ClinVar aggregate classification (germline): Uncertain significance (1 of 4 stars; one submission).

Submission:

Labcorp Genetics (formerly Invitae), Labcorp
Classification: Uncertain significance. Last evaluated: 2024-10-27. Review status: criteria provided, single submitter. Criteria: Invitae Variant Classification Sherloc (09022015). Collection method: clinical testing. Allele origin: germline.
Comment: This sequence change replaces aspartic acid, which is acidic and polar, with asparagine, which is neutral and polar, at codon 629 of the NFKB1 protein (p.Asp629Asn). This variant is not present in population databases (gnomAD no frequency). This variant has not been reported in the literature in individuals affected with NFKB1-related conditions. Invitae Evidence Modeling of protein sequence and biophysical properties (such as structural, functional, and spatial information, amino acid conservation, physicochemical variation, residue mobility, and thermodynamic stability) indicates that this missense variant is not expected to disrupt NFKB1 protein function with a negative predictive value of 80%. In summary, the available evidence is currently insufficient to determine the role of this variant in disease. Therefore, it has been classified as a Variant of Uncertain Significance.

NM_003998.4(NFKB1):c.1885G>A (p.Asp629Asn)

Gene: NFKB1 (nuclear factor kappa B subunit 1; plus strand). Cytogenetic location: 4q24.
Variant type: single nucleotide variant.
Coding change: c.1885G>A on transcript NM_003998.4 (MANE Select); coding-DNA position 1885, G replaced by A.
Protein change: p.Asp629Asn; replaces aspartic acid 629 with asparagine.
Molecular consequence: missense variant.
Genome position (GRCh38, 1-based): chr4:102,606,628, G>A. VCF-style: chr4-102606628-G-A. GRCh37 (hg19) VCF-style: chr4-103527785-G-A.
Other names: c.1885G>A, p.Asp629Asn (NM_001382625.1, NM_001382626.1); c.1882G>A, p.Asp628Asn (NM_001382627.1, NM_001165412.2, NM_001319226.2); c.1843G>A, p.Asp615Asn (NM_001382628.1); short protein forms D615N, D628N, D629N.
Identifiers: ClinVar variation 2986794 (VCV002986794.3), dbSNP rs2476540143, ClinGen allele CA357752104.